The following is an entry in ClinVar:

ClinVar aggregate classification (germline): Uncertain significance (1 of 4 stars; one submission).

Submission:

Women's Health and Genetics/Laboratory Corporation of America, LabCorp
Classification: Uncertain significance. Last evaluated: 2024-12-27. Review status: criteria provided, single submitter. Criteria: LabCorp Variant Classification Summary - May 2015. Collection method: clinical testing. Allele origin: germline.
Comment: Variant summary: CEP104 c.2092G>A (p.Glu698Lys) results in a conservative amino acid change in the encoded protein sequence. Four of five in-silico tools predict a benign effect of the variant on protein function. The variant was absent in 238752 control chromosomes (gnomAD). c.2092G>A has been reported in the literature in an individual affected with Joubert Syndrome (Alsamri_2021). These data indicate that the variant may be associated with disease. To our knowledge, no experimental evidence demonstrating an impact on protein function has been reported. The following publication has been ascertained in the context of this evaluation (PMID: 34768622). No submitters have cited clinical-significance assessments for this variant to ClinVar. Based on the evidence outlined above, the variant was classified as VUS-possibly pathogenic.

Literature cited by the submitters: PubMed 34768622.

NM_014704.4(CEP104):c.2092G>A (p.Glu698Lys)

Genes: CEP104 (centrosomal protein 104; minus strand), LOC126805586 (CDK7 strongly-dependent group 2 enhancer GRCh37_chr1:3745882-3747081; plus strand). Cytogenetic location: 1p36.32.
Variant type: single nucleotide variant.
Coding change: c.2092G>A on transcript NM_014704.4 (MANE Select); coding-DNA position 2092, G replaced by A.
Protein change: p.Glu698Lys; replaces glutamic acid 698 with lysine.
Molecular consequence: missense variant.
Genome position (GRCh38, 1-based): chr1:3,829,325, C>T on the plus strand (G>A on the coding strand, the complement: CEP104 is on the minus strand). VCF-style: chr1-3829325-C-T. GRCh37 (hg19) VCF-style: chr1-3745889-C-T.
Other names: short protein forms E698K.
Identifiers: ClinVar variation 3768176 (VCV003768176.1).